The following is an entry in ClinVar:

ClinVar aggregate classification (germline): Pathogenic (1 of 4 stars; one submission).

Conditions:
Early-infantile DEE. Also called: Early infantile epileptic encephalopathy; Ohtahara syndrome; Early infantile epileptic encephalopathy with suppression bursts. Identifiers: Orphanet 1934, MedGen C0393706, MONDO:0800491.

Submission:

Labcorp Genetics (formerly Invitae), Labcorp
Classification: Pathogenic for Early-infantile DEE. Last evaluated: 2023-03-07. Review status: criteria provided, single submitter. Criteria: Invitae Variant Classification Sherloc (09022015). Collection method: clinical testing. Allele origin: germline.
Comment: ClinVar contains an entry for this variant (Variation ID: 934962). Variants that disrupt the consensus splice site are a relatively common cause of aberrant splicing (PMID: 17576681, 9536098). Algorithms developed to predict the effect of sequence changes on RNA splicing suggest that this variant may disrupt the consensus splice site. For these reasons, this variant has been classified as Pathogenic. This variant is not present in population databases (gnomAD no frequency). This variant has been observed in individual(s) with clinical features of developmental and epileptic encephalopathy (Invitae). In at least one individual the variant was observed to be de novo. This sequence change falls in intron 2 of the KCNQ2 gene. It does not directly change the encoded amino acid sequence of the KCNQ2 protein. It affects a nucleotide within the consensus splice site.

Literature cited by the submitters: PubMed 17576681; PubMed 9536098.

NM_172107.4(KCNQ2):c.387+5G>A

Gene: KCNQ2 (potassium voltage-gated channel subfamily Q member 2; minus strand). Cytogenetic location: 20q13.33.
Variant type: single nucleotide variant.
Coding change: c.387+5G>A on transcript NM_172107.4 (MANE Select); 5 bases into the intron after coding-DNA position 387, G replaced by A.
Molecular consequence: intron variant.
Genome position (GRCh38, 1-based): chr20:63,446,742, C>T on the plus strand (G>A on the coding strand, the complement: KCNQ2 is on the minus strand). VCF-style: chr20-63446742-C-T. GRCh37 (hg19) VCF-style: chr20-62078095-C-T.
Other names: c.387+5G>A (NM_004518.6, NM_172108.5, NM_172106.3 and 2 more transcripts).
Identifiers: ClinVar variation 934962 (VCV000934962.8), dbSNP rs2081437856, ClinGen allele CA1139666785.